The following is an entry in ClinVar:

NM_001283009.2(RTEL1):c.3754G>A (p.Val1252Met)

Genes: RTEL1 (regulator of telomere elongation helicase 1; plus strand), RTEL1-TNFRSF6B (RTEL1-TNFRSF6B readthrough (NMD candidate); plus strand). Cytogenetic location: 20q13.33.
Variant type: single nucleotide variant.
Coding change: c.3754G>A on transcript NM_001283009.2 (MANE Select); coding-DNA position 3754, G replaced by A.
Protein change: p.Val1252Met; replaces valine 1252 with methionine.
Molecular consequence: missense variant. On other transcripts: non-coding transcript variant (1), intron variant (3).
Genome position (GRCh38, 1-based): chr20:63,695,582, G>A. VCF-style: chr20-63695582-G-A. GRCh37 (hg19) VCF-style: chr20-62326935-G-A.
Other names: c.2983+102G>A (NM_001283010.1); c.3724+102G>A (NM_032957.5); c.3652+102G>A (NM_016434.4); short protein forms V1252M.
Identifiers: ClinVar variation 3758969 (VCV003758969.3).

ClinVar aggregate classification (germline): Conflicting classifications of pathogenicity. Review status: criteria provided, conflicting classifications (1 of 4 stars). 2 submissions from 2 submitters: Uncertain significance (1); Likely benign (1). Last evaluated 2025-09-22.

Conditions:
Pulmonary fibrosis and/or bone marrow failure, Telomere-related, 3. Also called: PULMONARY FIBROSIS AND/OR BONE MARROW FAILURE SYNDROME, TELOMERE-RELATED, 3. Identifiers: Orphanet 2032, MedGen C4225346, MONDO:0014613, OMIM 616373.
Dyskeratosis congenita, autosomal recessive 5 (DKCB5). Identifiers: MedGen C3554656, MONDO:0014076, OMIM 615190.
Inborn genetic diseases. Identifiers: MedGen C0950123, MeSH D030342.

gnomAD v4.1: 15 of 1,612,046 alleles (0.00093%); highest among the groups gnomAD compares: African/African-American, 0.0053%; no homozygotes.

Submissions (2):

Labcorp Genetics (formerly Invitae), Labcorp
Classification: Likely benign for Dyskeratosis congenita, autosomal recessive 5; Pulmonary fibrosis and/or bone marrow failure, Telomere-related, 3. Last evaluated: 2025-09-22. Review status: criteria provided, single submitter. Criteria: Invitae Variant Classification Sherloc (09022015). Collection method: clinical testing. Allele origin: germline.

Ambry Genetics
Classification: Uncertain significance for Inborn genetic diseases. Last evaluated: 2025-01-16. Review status: criteria provided, single submitter. Criteria: Ambry Variant Classification Scheme 2023. Collection method: clinical testing. Allele origin: germline.
Comment: The p.V1252M variant (also known as c.3754G>A), located in coding exon 33 of the RTEL1 gene, results from a G to A substitution at nucleotide position 3754. The valine at codon 1252 is replaced by methionine, an amino acid with highly similar properties. This amino acid position is conserved. In addition, this alteration is predicted to be tolerated by in silico analysis. Based on the available evidence, the clinical significance of this variant remains unclear.